The following is an entry in ClinVar:

ClinVar aggregate classification (germline): Uncertain significance (1 of 4 stars; one submission).

gnomAD v4.1: 5 of 1,613,982 alleles (0.00031%); highest among the groups gnomAD compares: African/African-American, 0.0067%; no homozygotes.

Submission:

Women's Health and Genetics/Laboratory Corporation of America, LabCorp
Classification: Uncertain significance. Last evaluated: 2025-04-11. Review status: criteria provided, single submitter. Criteria: LabCorp Variant Classification Summary - May 2015. Collection method: clinical testing. Allele origin: germline.
Comment: Variant summary: CTNNA2 c.1495G>T (p.Ala499Ser) results in a conservative amino acid change in the encoded protein sequence. Three of five in-silico tools predict a damaging effect of the variant on protein function. The variant allele was found at a frequency of 1.2e-05 in 249188 control chromosomes. The available data on variant occurrences in the general population are insufficient to allow any conclusion about variant significance. To our knowledge, no occurrence of c.1495G>T in individuals affected with Cortical Dysplasia, Complex, With Other Brain Malformations 9 and no experimental evidence demonstrating its impact on protein function have been reported. No submitters have cited clinical-significance assessments for this variant to ClinVar. Based on the evidence outlined above, the variant was classified as uncertain significance.

NM_001282597.3(CTNNA2):c.1495G>T (p.Ala499Ser)

Gene: CTNNA2 (catenin alpha 2; plus strand). Cytogenetic location: 2p12.
Variant type: single nucleotide variant.
Coding change: c.1495G>T on transcript NM_001282597.3 (MANE Select); coding-DNA position 1495, G replaced by T.
Protein change: p.Ala499Ser; replaces alanine 499 with serine.
Molecular consequence: missense variant.
Genome position (GRCh38, 1-based): chr2:80,546,018, G>T. VCF-style: chr2-80546018-G-T. GRCh37 (hg19) VCF-style: chr2-80773143-G-T.
Other names: c.1495G>T, p.Ala499Ser (NM_001164883.2, NM_001399737.1, NM_004389.4); c.1597G>T, p.Ala533Ser (NM_001282598.2); c.532G>T, p.Ala178Ser (NM_001282599.2); c.391G>T, p.Ala131Ser (NM_001282600.2, NM_001320810.2); short protein forms A131S, A178S, A499S, A533S.
Identifiers: ClinVar variation 3896330 (VCV003896330.2).
Genomic context (GRCh38, chr2:80,546,018, plus strand): 5'-CAGGATAACATGGACGTCTTCAAAGACCAGTGGGAGAAGCAGGTCCGAGTGTTGACAGAG[G>T]CCGTGGATGACATCACCTCAGTGGATGACTTCCTCTCTGTCTCAGGTAATCATCACAAAC-3'
Protein context (NP_001269526.1, residues 489-509): WEKQVRVLTE[Ala499Ser]VDDITSVDDF